The following is an entry in ClinVar:

ClinVar aggregate classification (germline): Uncertain significance (1 of 4 stars; one submission).

Conditions:
Imerslund-Grasbeck syndrome. Also called: PERNICIOUS ANEMIA, JUVENILE, DUE TO SELECTIVE INTESTINAL MALABSORPTION OF VITAMIN B12, WITH PROTEINURIA; Imerslund-Gräsbeck syndrome; ENTEROCYTE COBALAMIN MALABSORPTION; ENTEROCYTE INTRINSIC FACTOR RECEPTOR, DEFECT OF; Megaloblastic anemia due to inborn errors of metabolism. Identifiers: Orphanet 35858, MedGen C4551825, MONDO:0009853.

Submission:

Labcorp Genetics (formerly Invitae), Labcorp
Classification: Uncertain significance for Imerslund-Grasbeck syndrome. Last evaluated: 2022-03-04. Review status: criteria provided, single submitter. Criteria: Invitae Variant Classification Sherloc (09022015). Collection method: clinical testing. Allele origin: germline.
Comment: This sequence change replaces valine, which is neutral and non-polar, with methionine, which is neutral and non-polar, at codon 2286 of the CUBN protein (p.Val2286Met). This variant is not present in population databases (gnomAD no frequency). This variant has not been reported in the literature in individuals affected with CUBN-related conditions. Algorithms developed to predict the effect of missense changes on protein structure and function are either unavailable or do not agree on the potential impact of this missense change (SIFT: "Tolerated"; PolyPhen-2: "Possibly Damaging"; Align-GVGD: "Class C0"). In summary, the available evidence is currently insufficient to determine the role of this variant in disease. Therefore, it has been classified as a Variant of Uncertain Significance.

NM_001081.4(CUBN):c.6856G>A (p.Val2286Met)

Gene: CUBN (cubilin; minus strand). Cytogenetic location: 10p13.
Variant type: single nucleotide variant.
Coding change: c.6856G>A on transcript NM_001081.4 (MANE Select); coding-DNA position 6856, G replaced by A.
Protein change: p.Val2286Met; replaces valine 2286 with methionine.
Molecular consequence: missense variant.
Genome position (GRCh38, 1-based): chr10:16,918,766, C>T on the plus strand (G>A on the coding strand, the complement: CUBN is on the minus strand). VCF-style: chr10-16918766-C-T. GRCh37 (hg19) VCF-style: chr10-16960765-C-T.
Other names: short protein forms V2286M.
Identifiers: ClinVar variation 2106953 (VCV002106953.1), dbSNP rs140737368, ClinGen allele CA376148315.